The following is an entry in ClinVar:

ClinVar aggregate classification (germline): Uncertain significance (1 of 4 stars; one submission).

Submission:

Labcorp Genetics (formerly Invitae), Labcorp
Classification: Uncertain significance. Last evaluated: 2023-09-04. Review status: criteria provided, single submitter. Criteria: Invitae Variant Classification Sherloc (09022015). Collection method: clinical testing. Allele origin: germline.
Comment: This sequence change replaces asparagine, which is neutral and polar, with serine, which is neutral and polar, at codon 503 of the ZSWIM6 protein (p.Asn503Ser). This variant is not present in population databases (gnomAD no frequency). This variant has not been reported in the literature in individuals affected with ZSWIM6-related conditions. ClinVar contains an entry for this variant (Variation ID: 2115142). Algorithms developed to predict the effect of missense changes on protein structure and function output the following: SIFT: "Not Available"; PolyPhen-2: "Benign"; Align-GVGD: "Not Available". The serine amino acid residue is found in multiple mammalian species, which suggests that this missense change does not adversely affect protein function. In summary, the available evidence is currently insufficient to determine the role of this variant in disease. Therefore, it has been classified as a Variant of Uncertain Significance.

NM_020928.2(ZSWIM6):c.1508A>G (p.Asn503Ser)

Gene: ZSWIM6 (zinc finger SWIM-type containing 6; plus strand). Cytogenetic location: 5q12.1.
Variant type: single nucleotide variant.
Coding change: c.1508A>G on transcript NM_020928.2 (MANE Select); coding-DNA position 1508, A replaced by G.
Protein change: p.Asn503Ser; replaces asparagine 503 with serine.
Molecular consequence: missense variant.
Genome position (GRCh38, 1-based): chr5:61,521,437, A>G. VCF-style: chr5-61521437-A-G. GRCh37 (hg19) VCF-style: chr5-60817264-A-G.
Other names: short protein forms N503S.
Identifiers: ClinVar variation 2115142 (VCV002115142.4), dbSNP rs2478333694, ClinGen allele CA359943035.